The following is an entry in ClinVar:

ClinVar aggregate classification (germline): Uncertain significance (1 of 4 stars; one submission).

gnomAD v4.1: 2 of 1,612,950 alleles (0.00012%); highest among the groups gnomAD compares: Non-Finnish European, 0.00017%; no homozygotes.

Submission:

GeneDx
Classification: Uncertain significance. Last evaluated: 2022-10-14. Review status: criteria provided, single submitter. Criteria: GeneDx Variant Classification Process June 2021. Collection method: clinical testing. Allele origin: germline. Affected: yes.
Comment: Not observed at significant frequency in large population cohorts (gnomAD); In silico analysis supports that this missense variant has a deleterious effect on protein structure/function; Has not been previously published as pathogenic or benign to our knowledge

NM_003482.4(KMT2D):c.293C>T (p.Ser98Phe)

Gene: KMT2D (lysine methyltransferase 2D; minus strand). Cytogenetic location: 12q13.12.
Variant type: single nucleotide variant.
Coding change: c.293C>T on transcript NM_003482.4 (MANE Select); coding-DNA position 293, C replaced by T.
Protein change: p.Ser98Phe; replaces serine 98 with phenylalanine.
Molecular consequence: missense variant.
Genome position (GRCh38, 1-based): chr12:49,054,635, G>A on the plus strand (C>T on the coding strand, the complement: KMT2D is on the minus strand). VCF-style: chr12-49054635-G-A. GRCh37 (hg19) VCF-style: chr12-49448418-G-A.
Other names: short protein forms S98F.
Identifiers: ClinVar variation 2499212 (VCV002499212.1), dbSNP rs2120711762, ClinGen allele CA384688627.
Genomic context (GRCh38, chr12:49,054,635, plus strand): 5'-ATCTGTGATAGGTCCTCACTGGGCAGCACTGCCTCATTGGGCCCTGGGCTCCCCCCAGGG[G>A]ACACCACTGGACACCGGGGCCAATCAAATGGCAACTCAAAGCGCCGTAGCTCCCGCTGCC-3'
Protein context (NP_003473.3, residues 88-108): PFDWPRCPVV[Ser98Phe]PGGSPGPNEA